The following is an entry in ClinVar:

ClinVar aggregate classification (germline): Uncertain significance (1 of 4 stars; one submission).

Conditions:
Heterotopia, periventricular, X-linked dominant (PVNH1). Also called: PERIVENTRICULAR NODULAR HETEROTOPIA 4; HETEROTOPIA, PERIVENTRICULAR, 1; PERIVENTRICULAR NODULAR HETEROTOPIA 1; X-linked periventricular heterotopia. Identifiers: Orphanet 2149, Orphanet 82004, MedGen C1848213, MONDO:0010233, OMIM 300049.
Oto-palato-digital syndrome, type II (OPD2). Also called: Otopalatodigital Syndrome, Type II; FACIOPALATOOSSEOUS SYNDROME; OPD II SYNDROME; Otopalatodigital Syndrome Type 2 (FLNA-OPD2). Identifiers: Orphanet 669, Orphanet 90652, MedGen C1844696, MONDO:0010571, OMIM 304120.
Melnick-Needles syndrome (MNS). Also called: MELNICK-NEEDLES OSTEODYSPLASTY; OSTEODYSPLASTY OF MELNICK AND NEEDLES; Melnick-Needles Syndrome (FLNA-MNS). Identifiers: Orphanet 2484, MedGen C0025237, MONDO:0010650, OMIM 309350.
Frontometaphyseal dysplasia (FMD1). Identifiers: Orphanet 1826, MedGen C0265293, MONDO:0015942.

Submission:

Labcorp Genetics (formerly Invitae), Labcorp
Classification: Uncertain significance for Oto-palato-digital syndrome, type II; Heterotopia, periventricular, X-linked dominant; Frontometaphyseal dysplasia; Melnick-Needles syndrome. Last evaluated: 2025-08-09. Review status: criteria provided, single submitter. Criteria: Invitae Variant Classification Sherloc (09022015). Collection method: clinical testing. Allele origin: germline.
Comment: This sequence change replaces isoleucine, which is neutral and non-polar, with valine, which is neutral and non-polar, at codon 554 of the FLNA protein (p.Ile554Val). This variant is not present in population databases (gnomAD no frequency). This variant has not been reported in the literature in individuals affected with FLNA-related conditions. Invitae Evidence Modeling of protein sequence and biophysical properties (such as structural, functional, and spatial information, amino acid conservation, physicochemical variation, residue mobility, and thermodynamic stability) indicates that this missense variant is not expected to disrupt FLNA protein function with a negative predictive value of 95%. In summary, the available evidence is currently insufficient to determine the role of this variant in disease. Therefore, it has been classified as a Variant of Uncertain Significance.

NM_001110556.2(FLNA):c.1660A>G (p.Ile554Val)

Gene: FLNA (filamin A; minus strand). Cytogenetic location: Xq28.
Variant type: single nucleotide variant.
Coding change: c.1660A>G on transcript NM_001110556.2 (MANE Select); coding-DNA position 1660, A replaced by G.
Protein change: p.Ile554Val; replaces isoleucine 554 with valine.
Molecular consequence: missense variant.
Genome position (GRCh38, 1-based): chrX:154,365,167, T>C on the plus strand (A>G on the coding strand, the complement: FLNA is on the minus strand). VCF-style: chrX-154365167-T-C. GRCh37 (hg19) VCF-style: chrX-153593535-T-C.
Other names: c.1660A>G, p.Ile554Val (NM_001456.4); short protein forms I554V.
Identifiers: ClinVar variation 4789600 (VCV004789600.1).